The following is an entry in ClinVar:

ClinVar aggregate classification (germline): Uncertain significance (1 of 4 stars; one submission).

Conditions:
RASopathy. Also called: rasopathies; Noonan spectrum disorder. Identifiers: Orphanet 536391, MedGen C5555857, MONDO:0021060.

Submission:

Labcorp Genetics (formerly Invitae), Labcorp
Classification: Uncertain significance for RASopathy. Last evaluated: 2022-02-22. Review status: criteria provided, single submitter. Criteria: Invitae Variant Classification Sherloc (09022015). Collection method: clinical testing. Allele origin: germline.
Comment: In summary, the available evidence is currently insufficient to determine the role of this variant in disease. Therefore, it has been classified as a Variant of Uncertain Significance. Advanced modeling of protein sequence and biophysical properties (such as structural, functional, and spatial information, amino acid conservation, physicochemical variation, residue mobility, and thermodynamic stability) performed at Invitae indicates that this missense variant is expected to disrupt MAP2K2 protein function. This variant has not been reported in the literature in individuals affected with MAP2K2-related conditions. This variant is not present in population databases (gnomAD no frequency). This sequence change replaces aspartic acid, which is acidic and polar, with glycine, which is neutral and non-polar, at codon 70 of the MAP2K2 protein (p.Asp70Gly).

NM_030662.4(MAP2K2):c.209A>G (p.Asp70Gly)

Gene: MAP2K2 (mitogen-activated protein kinase kinase 2; minus strand). Cytogenetic location: 19p13.3.
Variant type: single nucleotide variant.
Coding change: c.209A>G on transcript NM_030662.4 (MANE Select); coding-DNA position 209, A replaced by G.
Protein change: p.Asp70Gly; replaces aspartic acid 70 with glycine.
Molecular consequence: missense variant.
Genome position (GRCh38, 1-based): chr19:4,117,513, T>C on the plus strand (A>G on the coding strand, the complement: MAP2K2 is on the minus strand). VCF-style: chr19-4117513-T-C. GRCh37 (hg19) VCF-style: chr19-4117511-T-C.
Other names: short protein forms D70G.
Identifiers: ClinVar variation 2101382 (VCV002101382.4), dbSNP rs921196815, ClinGen allele CA403392597.